The following is an entry in ClinVar:

NM_058179.4(PSAT1):c.1008-20T>A

Gene: PSAT1 (phosphoserine aminotransferase 1; plus strand). Cytogenetic location: 9q21.2.
Variant type: single nucleotide variant.
Coding change: c.1008-20T>A on transcript NM_058179.4 (MANE Select); 20 bases into the intron before coding-DNA position 1008, T replaced by A.
Molecular consequence: intron variant.
Genome position (GRCh38, 1-based): chr9:78,328,961, T>A. VCF-style: chr9-78328961-T-A. GRCh37 (hg19) VCF-style: chr9-80943877-T-A.
Other names: c.870-20T>A (NM_021154.5).
Identifiers: ClinVar variation 2192759 (VCV002192759.2), dbSNP rs1008998785, ClinGen allele CA194418805.

ClinVar aggregate classification (germline): Uncertain significance (1 of 4 stars; one submission).

Conditions:
Neu-Laxova syndrome 2. Identifiers: Orphanet 2671, Orphanet 583602, MedGen C4015019, MONDO:0014466, OMIM 616038.

Allele frequency attached by ClinVar (database versions not stated): TOPMed below 0.00001.
gnomAD v4.1: 4 of 1,593,934 alleles (0.00025%); highest among the groups gnomAD compares: Admixed American, 0.0017%; no homozygotes.

Submission:

Labcorp Genetics (formerly Invitae), Labcorp
Classification: Uncertain significance for Neu-Laxova syndrome 2. Last evaluated: 2022-09-01. Review status: criteria provided, single submitter. Criteria: Invitae Variant Classification Sherloc (09022015). Collection method: clinical testing. Allele origin: germline.
Comment: In summary, the available evidence is currently insufficient to determine the role of this variant in disease. Therefore, it has been classified as a Variant of Uncertain Significance. Algorithms developed to predict the effect of sequence changes on RNA splicing suggest that this variant may create or strengthen a splice site. This variant has not been reported in the literature in individuals affected with PSAT1-related conditions. This variant is present in population databases (no rsID available, gnomAD 0.003%). This sequence change falls in intron 8 of the PSAT1 gene. It does not directly change the encoded amino acid sequence of the PSAT1 protein.